The following is an entry in ClinVar:

NM_003126.4(SPTA1):c.4206dup (p.Asn1403fs)

Gene: SPTA1 (spectrin alpha, erythrocytic 1; minus strand). Cytogenetic location: 1q23.1.
Variant type: Duplication.
Coding change: c.4206dup on transcript NM_003126.4 (MANE Select); coding-DNA position 4206, one base duplicated (G; older notation c.4206dupG).
Protein change: p.Asn1403fs; shifts the reading frame from asparagine 1403.
Molecular consequence: frameshift variant.
Genome position (GRCh38, 1-based): chr1:158,644,385, C duplicated on the plus strand (G on the coding strand, the reverse complement: SPTA1 is on the minus strand); the first of 4 consecutive C bases (chr1:158,644,385-158,644,388); duplicating any one gives the same sequence. VCF-style (leftmost placement, unchanged base first): chr1-158644384-T-TC. GRCh37 (hg19) VCF-style: chr1-158614174-T-TC.
Other names: short protein forms N1403fs.
Identifiers: ClinVar variation 3726172 (VCV003726172.2).

ClinVar aggregate classification (germline): Pathogenic (1 of 4 stars; one submission).

Submission:

Labcorp Genetics (formerly Invitae), Labcorp
Classification: Pathogenic. Last evaluated: 2024-11-27. Review status: criteria provided, single submitter. Criteria: Invitae Variant Classification Sherloc (09022015). Collection method: clinical testing. Allele origin: germline.
Comment: This sequence change creates a premature translational stop signal (p.Asn1403Glufs*3) in the SPTA1 gene. It is expected to result in an absent or disrupted protein product. Loss-of-function variants in SPTA1 are known to be pathogenic (PMID: 9192783, 18815189, 31333484, 31723846, 32266426). This variant is not present in population databases (gnomAD no frequency). This variant has not been reported in the literature in individuals affected with SPTA1-related conditions. For these reasons, this variant has been classified as Pathogenic.

Literature cited by the submitters: PubMed 9192783; PubMed 18815189; PubMed 31333484; PubMed 31723846; PubMed 32266426.